The following is an entry in ClinVar:

NM_001184900.3(CARD8):c.290C>T (p.Ala97Val)

Gene: CARD8 (caspase recruitment domain family member 8; minus strand). Cytogenetic location: 19q13.33.
Variant type: single nucleotide variant.
Coding change: c.290C>T on transcript NM_001184900.3 (MANE Select); coding-DNA position 290, C replaced by T.
Protein change: p.Ala97Val; replaces alanine 97 with valine.
Molecular consequence: missense variant. On other transcripts: nonsense (6), 5 prime UTR variant (1), non-coding transcript variant (4).
Genome position (GRCh38, 1-based): chr19:48,234,463, G>A on the plus strand (C>T on the coding strand, the complement: CARD8 is on the minus strand). VCF-style: chr19-48234463-G-A. GRCh37 (hg19) VCF-style: chr19-48737720-G-A.
Other names: c.290C>T (NM_001184900.1); c.140C>T, p.Ala47Val (NM_001184901.1, NM_001351783.2, NM_001351788.2 and 2 more transcripts); c.290C>T, p.Ala97Val (NM_001184902.2, NM_001184903.1, NM_001351782.2); c.16C>T, p.Gln6Ter (NM_001351784.2, NM_001351787.2, NM_001351791.2 and 2 more transcripts); c.-199C>T (NM_001351786.2); c.88C>T, p.Gln30Ter (NM_001351790.2); c.-492C>T (NM_001426741.1); short protein forms A47V, A97V, Q30*, Q6*.
Identifiers: ClinVar variation 2745584 (VCV002745584.4), dbSNP rs2514943879, ClinGen allele CA406646965.

ClinVar aggregate classification (germline): Uncertain significance. Review status: criteria provided, multiple submitters, no conflicts (2 of 4 stars). 2 submissions from 2 submitters: Uncertain significance (2). Last evaluated 2025-04-25.

Submissions (2):

Ambry Genetics
Classification: Uncertain significance. Last evaluated: 2025-04-25. Review status: criteria provided, single submitter. Criteria: Ambry Variant Classification Scheme 2023. Collection method: clinical testing. Allele origin: germline.

Labcorp Genetics (formerly Invitae), Labcorp
Classification: Uncertain significance. Last evaluated: 2025-04-14. Review status: criteria provided, single submitter. Criteria: Invitae Variant Classification Sherloc (09022015). Collection method: clinical testing. Allele origin: germline.
Comment: This sequence change replaces alanine, which is neutral and non-polar, with valine, which is neutral and non-polar, at codon 47 of the CARD8 protein (p.Ala47Val). This variant is not present in population databases (gnomAD no frequency). This variant has not been reported in the literature in individuals affected with CARD8-related conditions. ClinVar contains an entry for this variant (Variation ID: 2745584). An algorithm developed to predict the effect of missense changes on protein structure and function outputs the following: PolyPhen-2: "Benign". The valine amino acid residue is found in multiple mammalian species, which suggests that this missense change does not adversely affect protein function. In summary, the available evidence is currently insufficient to determine the role of this variant in disease. Therefore, it has been classified as a Variant of Uncertain Significance.